The following is an entry in ClinVar:

ClinVar aggregate classification (germline): Uncertain significance (1 of 4 stars; one submission).

Submission:

Labcorp Genetics (formerly Invitae), Labcorp
Classification: Uncertain significance. Last evaluated: 2023-11-28. Review status: criteria provided, single submitter. Criteria: Invitae Variant Classification Sherloc (09022015). Collection method: clinical testing. Allele origin: germline.
Comment: This sequence change falls in intron 14 of the LRRCC1 gene. It does not directly change the encoded amino acid sequence of the LRRCC1 protein. It affects a nucleotide within the consensus splice site. This variant is not present in population databases (gnomAD no frequency). This variant has not been reported in the literature in individuals affected with LRRCC1-related conditions. Variants that disrupt the consensus splice site are a relatively common cause of aberrant splicing (PMID: 17576681, 9536098). Algorithms developed to predict the effect of sequence changes on RNA splicing suggest that this variant is not likely to affect RNA splicing. In summary, the available evidence is currently insufficient to determine the role of this variant in disease. Therefore, it has been classified as a Variant of Uncertain Significance.

Literature cited by the submitters: PubMed 17576681; PubMed 9536098.

NM_033402.5(LRRCC1):c.2329+6A>T

Gene: LRRCC1 (leucine rich repeat and coiled-coil centrosomal protein 1; plus strand). Cytogenetic location: 8q21.2.
Variant type: single nucleotide variant.
Coding change: c.2329+6A>T on transcript NM_033402.5 (MANE Select); 6 bases into the intron after coding-DNA position 2329, A replaced by T.
Molecular consequence: intron variant.
Genome position (GRCh38, 1-based): chr8:85,135,969, A>T. VCF-style: chr8-85135969-A-T. GRCh37 (hg19) VCF-style: chr8-86048204-A-T.
Other names: c.1903+6A>T (NM_001349637.2); c.1432+6A>T (NM_001349638.2); c.2050+6A>T (NM_001349636.2); c.1192+6A>T (NM_001349639.2).
Identifiers: ClinVar variation 2694918 (VCV002694918.3), dbSNP rs2488497565, ClinGen allele CA2697549972.